The following is an entry in ClinVar:

NM_080632.3(UPF3B):c.684_687del (p.Arg229fs)

Gene: UPF3B (UPF3B regulator of nonsense mediated mRNA decay; minus strand). Cytogenetic location: Xq24.
Variant type: Deletion.
Coding change: c.684_687del on transcript NM_080632.3 (MANE Select); coding-DNA positions 684 to 687, 4 bases deleted (AAGA; older notation c.684_687delAAGA).
Protein change: p.Arg229fs; shifts the reading frame from arginine 229.
Molecular consequence: frameshift variant.
Genome position (GRCh38, 1-based): chrX:119,841,196-119,841,199, TCTT deleted on the plus strand (AAGA on the coding strand, the reverse complement: UPF3B is on the minus strand); deleting any 4 consecutive bases within chrX:119,841,196-119,841,200 gives the same sequence; the c. name uses the placement nearest the transcript's 3' end. VCF-style (leftmost placement, unchanged base first): chrX-119841195-CTCTT-C. GRCh37 (hg19) VCF-style: chrX-118975158-CTCTT-C.
Other names: c.684_687del, p.Arg229fs (NM_023010.4); short protein forms R229fs.
Identifiers: ClinVar variation 1199884 (VCV001199884.3), dbSNP rs2147787275, ClinGen allele CA913189155.

ClinVar aggregate classification (germline): Pathogenic (1 of 4 stars; one submission).

Submission:

GeneDx
Classification: Pathogenic. Last evaluated: 2020-10-12. Review status: criteria provided, single submitter. Criteria: GeneDx Variant Classification Process June 2021. Collection method: clinical testing. Allele origin: germline. Affected: yes.
Comment: Frameshift variant predicted to result in protein truncation or nonsense mediated decay in a gene for which loss-of-function is a known mechanism of disease; Not observed in large population cohorts (Lek et al., 2016); This variant is associated with the following publications: (PMID: 20479756)